The following is an entry in ClinVar:

NM_006904.7(PRKDC):c.9185T>G (p.Leu3062Arg)

Gene: PRKDC (protein kinase, DNA-activated, catalytic subunit; minus strand). Cytogenetic location: 8q11.21.
Variant type: single nucleotide variant.
Coding change: c.9185T>G on transcript NM_006904.7 (MANE Select); coding-DNA position 9185, T replaced by G.
Protein change: p.Leu3062Arg; replaces leucine 3062 with arginine.
Molecular consequence: missense variant.
Genome position (GRCh38, 1-based): chr8:47,820,870, A>C on the plus strand (T>G on the coding strand, the complement: PRKDC is on the minus strand). VCF-style: chr8-47820870-A-C. GRCh37 (hg19) VCF-style: chr8-48733431-A-C.
Other names: c.9185T>G, p.Leu3062Arg (NM_001081640.2); short protein forms L3062R.
Identifiers: ClinVar variation 154322 (VCV000154322.6), dbSNP rs587777685, ClinGen allele CA170664.

ClinVar aggregate classification (germline): Pathogenic. Review status: criteria provided, single submitter (1 of 4 stars). 2 submissions from 2 submitters: Pathogenic (1). 1 of the submissions does not count toward it. Last evaluated 2022-10-07.

Conditions:
Severe combined immunodeficiency due to DNA-PKcs deficiency. Also called: IMMUNODEFICIENCY 26 WITH NEUROLOGIC ABNORMALITIES; Immunodeficiency 26 with or without neurologic abnormalities. Identifiers: Orphanet 317425, MedGen C4014833, MONDO:0014423, OMIM 615966.
IMMUNODEFICIENCY 26 WITHOUT NEUROLOGIC ABNORMALITIES. Identifiers: MedGen C4016698.

Submissions (2):

Labcorp Genetics (formerly Invitae), Labcorp
Classification: Pathogenic for Severe combined immunodeficiency due to DNA-PKcs deficiency. Last evaluated: 2022-10-07. Review status: criteria provided, single submitter. Criteria: Invitae Variant Classification Sherloc (09022015). Collection method: clinical testing. Allele origin: germline.
Comment: This sequence change replaces leucine, which is neutral and non-polar, with arginine, which is basic and polar, at codon 3062 of the PRKDC protein (p.Leu3062Arg). For these reasons, this variant has been classified as Pathogenic. ClinVar contains an entry for this variant (Variation ID: 154322). This variant is also known as c.9239T>G (p.Leu3061Arg). This missense change has been observed in individual(s) with severe combined immunodeficiency (PMID: 19075392, 25842288, 30121298). It has also been observed to segregate with disease in related individuals. This variant is not present in population databases (gnomAD no frequency).

OMIM
Classification: Pathogenic for IMMUNODEFICIENCY 26 WITHOUT NEUROLOGIC ABNORMALITIES. Last evaluated: 2009-01-01. Review status: no assertion criteria provided. Collection method: literature only. Allele origin: germline. Not counted in ClinVar's aggregate classification.

Literature cited by the submitters: PubMed 19075392 (cited by Labcorp Genetics (formerly Invitae), Labcorp and OMIM); PubMed 25842288 (cited by Labcorp Genetics (formerly Invitae), Labcorp); PubMed 30121298 (cited by Labcorp Genetics (formerly Invitae), Labcorp).